The following is an entry in ClinVar:

ClinVar aggregate classification (germline): Uncertain significance. Review status: criteria provided, multiple submitters, no conflicts (2 of 4 stars). 2 submissions from 2 submitters: Uncertain significance (2). Last evaluated 2026-02-04.

Conditions:
ASIC5-related disorder. Also called: ASIC5-related condition.

Allele frequency attached by ClinVar (database versions not stated): ExAC 0.00007; gnomAD 0.00015; TOPMed 0.00016; gnomAD exomes 0.00030; ESP Exome Variant Server 0.00046.
gnomAD v4.1: 473 of 1,613,604 alleles (0.029%); highest among the groups gnomAD compares: Non-Finnish European, 0.037%; 1 homozygote.

Submissions (2):

PreventionGenetics, part of Exact Sciences
Classification: Uncertain significance for ASIC5-related condition. Last evaluated: 2026-02-04. Review status: criteria provided, single submitter. Criteria: ACMG Guidelines, 2015. Collection method: clinical testing. Allele origin: germline.
Comment: The ASIC5 c.280A>G variant is predicted to result in the amino acid substitution p.Thr94Ala. To our knowledge, this variant has not been reported in the literature. This variant is reported in 0.017% of alleles in individuals of European (Non-Finnish) descent in gnomAD. At this time, the clinical significance of this variant is uncertain due to the absence of conclusive functional and genetic evidence.

Ambry Genetics
Classification: Uncertain significance. Last evaluated: 2025-04-28. Review status: criteria provided, single submitter. Criteria: Ambry Variant Classification Scheme 2023. Collection method: clinical testing. Allele origin: germline.

NM_017419.3(ASIC5):c.280A>G (p.Thr94Ala)

Gene: ASIC5 (acid sensing ion channel subunit family member 5; minus strand). Cytogenetic location: 4q32.1.
Variant type: single nucleotide variant.
Coding change: c.280A>G on transcript NM_017419.3 (MANE Select); coding-DNA position 280, A replaced by G.
Protein change: p.Thr94Ala; replaces threonine 94 with alanine.
Molecular consequence: missense variant.
Genome position (GRCh38, 1-based): chr4:155,863,515, T>C on the plus strand (A>G on the coding strand, the complement: ASIC5 is on the minus strand). VCF-style: chr4-155863515-T-C. GRCh37 (hg19) VCF-style: chr4-156784667-T-C.
Other names: short protein forms T94A.
Identifiers: ClinVar variation 2365853 (VCV002365853.4), dbSNP rs147885015, ClinGen allele CA3118485.